The following is an entry in ClinVar:

ClinVar aggregate classification (germline): Conflicting classifications of pathogenicity. Review status: criteria provided, conflicting classifications (1 of 4 stars). 3 submissions from 3 submitters: Likely pathogenic (1); Uncertain significance (1). 1 of the submissions does not count toward it. Last evaluated 2026-05-04.

Conditions:
Autosomal recessive limb-girdle muscular dystrophy type 2A (LGMDR1). Also called: LEYDEN-MOEBIUS MUSCULAR DYSTROPHY; MUSCULAR DYSTROPHY, PELVOFEMORAL; Calpainopathy; Limb-girdle muscular dystrophy, type 2A; Muscular dystrophy, limb-girdle, type 2A, Amish. Identifiers: Orphanet 267, MedGen C1869123, MONDO:0009675, OMIM 253600. Disease mechanism: loss of function.

Submissions (3):

Division of Neurology, Stellenbosch University
Classification: Likely pathogenic for Autosomal recessive limb-girdle muscular dystrophy type 2A. Last evaluated: 2026-05-04. Review status: criteria provided, single submitter. Criteria: ACMG Guidelines, 2015. Collection method: research. Allele origin: germline. Inheritance: Autosomal recessive inheritance. Affected: yes. Observed: 1 variant allele.
Comment: PP3_Strong: Variant is predicted splicing (scSNV-ADA = 0.991093) and LOF in gene is known to cause disease; PM2_Supporting: absent from gnomAD v4.1; PM3_Supporting: Detected together with a pathogenic variant (NM_000070.3(CAPN3):c.1715G>A), phase unknown.

Athena Diagnostics
Classification: Uncertain significance. Last evaluated: 2017-12-15. Review status: criteria provided, single submitter. Criteria: Athena Diagnostics Criteria. Collection method: clinical testing. Allele origin: germline.

Natera, Inc.
Classification: Uncertain significance for Limb-girdle muscular dystrophy type 2A. Last evaluated: 2025-01-10. Review status: no assertion criteria provided. Collection method: clinical testing. Allele origin: germline. Not counted in ClinVar's aggregate classification.

NM_000070.3(CAPN3):c.309+4A>C

Gene: CAPN3 (calpain 3; plus strand). Cytogenetic location: 15q15.1.
Variant type: single nucleotide variant.
Coding change: c.309+4A>C on transcript NM_000070.3 (MANE Select); 4 bases into the intron after coding-DNA position 309, A replaced by C.
Molecular consequence: intron variant.
Genome position (GRCh38, 1-based): chr15:42,360,118, A>C. VCF-style: chr15-42360118-A-C. GRCh37 (hg19) VCF-style: chr15-42652316-A-C.
Other names: c.309+4A>C (NM_024344.2, NM_173087.2).
Identifiers: ClinVar variation 585615 (VCV000585615.2), dbSNP rs1566966120, ClinGen allele CA891844447.